The following is an entry in ClinVar:

ClinVar aggregate classification (germline): Uncertain significance. Review status: criteria provided, multiple submitters, no conflicts (2 of 4 stars). 3 submissions from 3 submitters: Uncertain significance (3). Last evaluated 2025-07-29.

Conditions:
Ataxia-telangiectasia syndrome (AT). Also called: Ataxia telangiectasia (A-T); LOUIS-BAR SYNDROME; Cerebello-oculocutaneous telangiectasia; Immunodeficiency with ataxia telangiectasia; Ataxia-telangiectasia, complementation group D; AT, COMPLEMENTATION GROUP C. Identifiers: Orphanet 100, MedGen C0004135, MONDO:0008840, OMIM 208900.
Breast-ovarian cancer, familial, susceptibility to, 1 (BROVCA1). Also called: OVARIAN CANCER, SUSCEPTIBILITY TO; BRCA1 Hereditary Breast and Ovarian Cancer. Identifiers: Orphanet 145, MedGen C2676676, MONDO:0011450, OMIM 604370. Disease mechanism: loss of function.
Hereditary cancer-predisposing syndrome. Also called: Hereditary neoplastic syndrome; Neoplastic Syndromes, Hereditary; Tumor predisposition; Hereditary Cancer Syndrome. Identifiers: Orphanet 140162, MedGen C0027672, MeSH D009386, MONDO:0015356.

Submissions (3):

Institute of Immunology and Genetics Kaiserslautern
Classification: Uncertain significance for Breast-ovarian cancer, familial, susceptibility to, 1. Last evaluated: 2025-07-29. Review status: criteria provided, single submitter. Criteria: ACMG Guidelines, 2015. Collection method: clinical testing. Allele origin: germline. Affected: yes.
Comment: ACMG Criteria: PM2_P, PM4.

Ambry Genetics
Classification: Uncertain significance for Hereditary cancer-predisposing syndrome. Last evaluated: 2025-03-26. Review status: criteria provided, single submitter. Criteria: Ambry Variant Classification Scheme 2023. Collection method: clinical testing. Allele origin: germline.
Comment: The c.8388_8390delCAG variant (also known as p.S2797del) is located in coding exon 56 of the ATM gene. This variant results from an in-frame CAG deletion at nucleotide positions 8388 to 8390. This results in the in-frame deletion of a serine at codon 2797. This amino acid position is not well conserved in available vertebrate species. In addition, this alteration is predicted to be deleterious by in silico analysis (Choi Y et al. PLoS ONE. 2012; 7(10):e46688). Since supporting evidence is limited at this time, the clinical significance of this alteration remains unclear.

Labcorp Genetics (formerly Invitae), Labcorp
Classification: Uncertain significance for Ataxia-telangiectasia syndrome. Last evaluated: 2024-11-04. Review status: criteria provided, single submitter. Criteria: Invitae Variant Classification Sherloc (09022015). Collection method: clinical testing. Allele origin: germline.
Comment: This variant, c.8388_8390del, results in the deletion of 1 amino acid(s) of the ATM protein (p.Ser2797del), but otherwise preserves the integrity of the reading frame. This variant is not present in population databases (gnomAD no frequency). This variant has not been reported in the literature in individuals affected with ATM-related conditions. ClinVar contains an entry for this variant (Variation ID: 1763175). Experimental studies and prediction algorithms are not available or were not evaluated, and the functional significance of this variant is currently unknown. In summary, the available evidence is currently insufficient to determine the role of this variant in disease. Therefore, it has been classified as a Variant of Uncertain Significance.

NM_000051.4(ATM):c.8388_8390del (p.Ser2797del)

Genes: C11orf65 (chromosome 11 open reading frame 65; minus strand), ATM (ATM serine/threonine kinase; plus strand). Cytogenetic location: 11q22.3.
Variant type: Deletion.
Coding change: c.8388_8390del on transcript NM_000051.4 (MANE Select); coding-DNA positions 8388 to 8390, 3 bases deleted (CAG; older notation c.8388_8390delCAG).
Protein change: p.Ser2797del; deletes serine 2797.
Molecular consequence: inframe deletion. On other transcripts: inframe indel (1), intron variant (2).
Genome position (GRCh38, 1-based): chr11:108,343,341-108,343,343, CAG deleted. VCF-style (leftmost placement, unchanged base first): chr11-108343340-TCAG-T. GRCh37 (hg19) VCF-style: chr11-108214067-TCAG-T.
Other names: c.8388_8390delCAG, p.Ser2797del (NM_000051.3); c.8388_8390del, p.Ser2797del (NM_001351834.2); c.641-34272_641-34270del (NM_001330368.2); c.695-8051_695-8049del (NM_001351110.2); short protein forms S2797del.
Identifiers: ClinVar variation 1763175 (VCV001763175.6), dbSNP rs2547418978, ClinGen allele CA2580083395.